The following is an entry in ClinVar:

NM_000179.3(MSH6):c.3516A>C (p.Arg1172Ser)

Gene: MSH6 (mutS homolog 6; plus strand). Cytogenetic location: 2p16.3.
Variant type: single nucleotide variant.
Coding change: c.3516A>C on transcript NM_000179.3 (MANE Select); coding-DNA position 3516, A replaced by C.
Protein change: p.Arg1172Ser; replaces arginine 1172 with serine.
Molecular consequence: missense variant.
Genome position (GRCh38, 1-based): chr2:47,804,987, A>C. VCF-style: chr2-47804987-A-C. GRCh37 (hg19) VCF-style: chr2-48032126-A-C.
Other names: c.3126A>C, p.Arg1042Ser (NM_001281492.2); c.2610A>C, p.Arg870Ser (NM_001281493.2, NM_001281494.2, NM_001406811.1 and 6 more transcripts); c.3612A>C, p.Arg1204Ser (NM_001406795.1, NM_001406802.1); c.3516A>C, p.Arg1172Ser (NM_001406796.1, NM_001406800.1, NM_001406808.1 and 1 more transcripts); c.3219A>C, p.Arg1073Ser (NM_001406797.1, NM_001406801.1, NM_001406805.1 and 10 more transcripts); c.3342A>C, p.Arg1114Ser (NM_001406798.1); c.2991A>C, p.Arg997Ser (NM_001406799.1, NM_001406806.1, NM_001406807.1); c.2652A>C, p.Arg884Ser (NM_001406803.1); and 7 more; short protein forms R1174S, R1204S, R487S, R884S, R997S, R1042S, R1073S, R1116S.
Identifiers: ClinVar variation 1732205 (VCV001732205.2), dbSNP rs1553332262, ClinGen allele CA346760203.

ClinVar aggregate classification (germline): Uncertain significance (1 of 4 stars; one submission).

Conditions:
Hereditary cancer-predisposing syndrome. Also called: Neoplastic Syndromes, Hereditary; Tumor predisposition; Hereditary Cancer Syndrome; Hereditary neoplastic syndrome. Identifiers: Orphanet 140162, MedGen C0027672, MeSH D009386, MONDO:0015356.

Submission:

Ambry Genetics
Classification: Uncertain significance for Hereditary cancer-predisposing syndrome. Last evaluated: 2019-11-27. Review status: criteria provided, single submitter. Criteria: Ambry Variant Classification Scheme 2023. Collection method: clinical testing. Allele origin: germline.
Comment: The p.R1172S variant (also known as c.3516A>C), located in coding exon 6 of the MSH6 gene, results from an A to C substitution at nucleotide position 3516. The arginine at codon 1172 is replaced by serine, an amino acid with dissimilar properties. This amino acid position is highly conserved in available vertebrate species. In addition, this alteration is predicted to be deleterious by in silico analysis. Since supporting evidence is limited at this time, the clinical significance of this alteration remains unclear.